The following is an entry in ClinVar:

NM_001256545.2(MEGF10):c.229C>T (p.Arg77Trp)

Gene: MEGF10 (multiple EGF like domains 10; plus strand). Cytogenetic location: 5q23.2.
Variant type: single nucleotide variant.
Coding change: c.229C>T on transcript NM_001256545.2 (MANE Select); coding-DNA position 229, C replaced by T.
Protein change: p.Arg77Trp; replaces arginine 77 with tryptophan.
Molecular consequence: missense variant.
Genome position (GRCh38, 1-based): chr5:127,340,540, C>T. VCF-style: chr5-127340540-C-T. GRCh37 (hg19) VCF-style: chr5-126676232-C-T.
Other names: c.229C>T, p.Arg77Trp (NM_001308119.2, NM_001308121.2, NM_032446.3); short protein forms R77W.
Identifiers: ClinVar variation 1504350 (VCV001504350.6), dbSNP rs752303954, ClinGen allele CA3391213.
Genomic context (GRCh38, chr5:127,340,540, plus strand): 5'-GCTTTTCAGACTTTTATTATGTTTAATAGCTAATTTTTCCTTCTCTATAGAGTCAGCTAT[C>T]GGACAGCCTATCGACATGGGGAGAAGACTATGTATAGGCGCAAGTCTCAGTGTTGTCCTG-3'
Protein context (NP_001243474.1, residues 67-87): FKCTRHRVSY[Arg77Trp]TAYRHGEKTM

ClinVar aggregate classification (germline): Uncertain significance (1 of 4 stars; one submission).

Conditions:
MEGF10-related myopathy (CMYO10A). Also called: Congenital myopathy 10A, severe variant. Identifiers: Orphanet 439212, MedGen C3280679, MONDO:0013731, OMIM 614399.

Allele frequency attached by ClinVar (database versions not stated): gnomAD exomes 0.00001; TOPMed 0.00001; ExAC 0.00002.
gnomAD v4.1: 4 of 1,612,132 alleles (0.00025%); highest among the groups gnomAD compares: South Asian, 0.0022%; no homozygotes.

Submission:

Labcorp Genetics (formerly Invitae), Labcorp
Classification: Uncertain significance for MEGF10-related myopathy. Last evaluated: 2024-12-03. Review status: criteria provided, single submitter. Criteria: Invitae Variant Classification Sherloc (09022015). Collection method: clinical testing. Allele origin: germline.
Comment: This sequence change replaces arginine, which is basic and polar, with tryptophan, which is neutral and slightly polar, at codon 77 of the MEGF10 protein (p.Arg77Trp). This variant is present in population databases (rs752303954, gnomAD 0.007%). This variant has not been reported in the literature in individuals affected with MEGF10-related conditions. ClinVar contains an entry for this variant (Variation ID: 1504350). Invitae Evidence Modeling of protein sequence and biophysical properties (such as structural, functional, and spatial information, amino acid conservation, physicochemical variation, residue mobility, and thermodynamic stability) indicates that this missense variant is not expected to disrupt MEGF10 protein function with a negative predictive value of 80%. In summary, the available evidence is currently insufficient to determine the role of this variant in disease. Therefore, it has been classified as a Variant of Uncertain Significance.